The following is an entry in ClinVar:

NM_001376.5(DYNC1H1):c.11966G>T (p.Arg3989Leu)

Gene: DYNC1H1 (dynein cytoplasmic 1 heavy chain 1; plus strand). Cytogenetic location: 14q32.31.
Variant type: single nucleotide variant.
Coding change: c.11966G>T on transcript NM_001376.5 (MANE Select); coding-DNA position 11966, G replaced by T.
Protein change: p.Arg3989Leu; replaces arginine 3989 with leucine.
Molecular consequence: missense variant.
Genome position (GRCh38, 1-based): chr14:102,041,598, G>T. VCF-style: chr14-102041598-G-T. GRCh37 (hg19) VCF-style: chr14-102507935-G-T.
Other names: short protein forms R3989L.
Identifiers: ClinVar variation 2145120 (VCV002145120.7), dbSNP rs377516509, ClinGen allele CA391037611.

ClinVar aggregate classification (germline): Uncertain significance. Review status: criteria provided, multiple submitters, no conflicts (2 of 4 stars). 3 submissions from 3 submitters: Uncertain significance (3). Last evaluated 2026-02-10.

Conditions:
Inborn genetic diseases. Identifiers: MedGen C0950123, MeSH D030342.
Charcot-Marie-Tooth disease axonal type 2O. Also called: CHARCOT-MARIE-TOOTH NEUROPATHY, AXONAL, TYPE 2O; CHARCOT-MARIE-TOOTH DISEASE, AXONAL, AUTOSOMAL DOMINANT, TYPE 2O; Charcot-Marie-Tooth Neuropathy Type 2O; Charcot-Marie-Tooth disease, axonal, type 20. Identifiers: Orphanet 284232, MedGen C3280220, MONDO:0013644, OMIM 614228.

Submissions (3):

GeneDx
Classification: Uncertain significance. Last evaluated: 2026-02-10. Review status: criteria provided, single submitter. Criteria: GeneDx Variant Classification Process June 2021. Collection method: clinical testing. Allele origin: germline.
Comment: Not observed at significant frequency in large population cohorts (gnomAD); In silico analysis supports that this missense variant has a deleterious effect on protein structure/function; Has not been previously published as pathogenic or benign to our knowledge; This variant is associated with the following publications: (PMID: 26100331, 25609763, 25512093)

Ambry Genetics
Classification: Uncertain significance for Inborn genetic diseases. Last evaluated: 2025-12-02. Review status: criteria provided, single submitter. Criteria: Ambry Variant Classification Scheme 2023. Collection method: clinical testing. Allele origin: germline.

Labcorp Genetics (formerly Invitae), Labcorp
Classification: Uncertain significance for Charcot-Marie-Tooth disease axonal type 2O. Last evaluated: 2022-06-07. Review status: criteria provided, single submitter. Criteria: Invitae Variant Classification Sherloc (09022015). Collection method: clinical testing. Allele origin: germline.
Comment: This variant has not been reported in the literature in individuals affected with DYNC1H1-related conditions. This variant is not present in population databases (gnomAD no frequency). This sequence change replaces arginine, which is basic and polar, with leucine, which is neutral and non-polar, at codon 3989 of the DYNC1H1 protein (p.Arg3989Leu). In summary, the available evidence is currently insufficient to determine the role of this variant in disease. Therefore, it has been classified as a Variant of Uncertain Significance. Advanced modeling of protein sequence and biophysical properties (such as structural, functional, and spatial information, amino acid conservation, physicochemical variation, residue mobility, and thermodynamic stability) performed at Invitae indicates that this missense variant is not expected to disrupt DYNC1H1 protein function.